The following is an entry in ClinVar:

ClinVar aggregate classification (germline): Uncertain significance (1 of 4 stars; one submission).

Submission:

GeneDx
Classification: Uncertain significance. Last evaluated: 2025-06-13. Review status: criteria provided, single submitter. Criteria: GeneDx Variant Classification Process June 2021. Collection method: clinical testing. Allele origin: germline.
Comment: Not observed at significant frequency in large population cohorts (gnomAD); In silico analysis supports that this missense variant has a deleterious effect on protein structure/function; Has not been previously published as pathogenic or benign to our knowledge

NM_000875.5(IGF1R):c.3700C>T (p.Pro1234Ser)

Gene: IGF1R (insulin like growth factor 1 receptor; plus strand). Cytogenetic location: 15q26.3.
Variant type: single nucleotide variant.
Coding change: c.3700C>T on transcript NM_000875.5 (MANE Select); coding-DNA position 3700, C replaced by T.
Protein change: p.Pro1234Ser; replaces proline 1234 with serine.
Molecular consequence: missense variant.
Genome position (GRCh38, 1-based): chr15:98,948,686, C>T. VCF-style: chr15-98948686-C-T. GRCh37 (hg19) VCF-style: chr15-99491915-C-T.
Other names: c.3697C>T, p.Pro1233Ser (NM_001291858.2); short protein forms P1234S, P1233S.
Identifiers: ClinVar variation 3731125 (VCV003731125.2).